The following is an entry in ClinVar:

ClinVar aggregate classification (germline): Uncertain significance (1 of 4 stars; one submission).

Conditions:
Combined immunodeficiency due to MALT1 deficiency. Also called: Immunodeficiency 12. Identifiers: Orphanet 397964, MedGen C3809583, MONDO:0014197, OMIM 615468.

Allele frequency attached by ClinVar (database versions not stated): gnomAD exomes below 0.00001; TOPMed below 0.00001.

Submission:

Labcorp Genetics (formerly Invitae), Labcorp
Classification: Uncertain significance for Combined immunodeficiency due to MALT1 deficiency. Last evaluated: 2021-05-26. Review status: criteria provided, single submitter. Criteria: Invitae Variant Classification Sherloc (09022015). Collection method: clinical testing. Allele origin: germline.
Comment: Algorithms developed to predict the effect of missense changes on protein structure and function output the following: SIFT: "Deleterious"; PolyPhen-2: "Benign"; Align-GVGD: "Class C0". The leucine amino acid residue is found in multiple mammalian species, suggesting that this missense change does not adversely affect protein function. These predictions have not been confirmed by published functional studies and their clinical significance is uncertain. This sequence change replaces proline with leucine at codon 13 of the MALT1 protein (p.Pro13Leu). The proline residue is weakly conserved and there is a moderate physicochemical difference between proline and leucine. The frequency data for this variant in the population databases is considered unreliable, as metrics indicate insufficient coverage at this position in the ExAC database. This variant has not been reported in the literature in individuals with MALT1-related conditions. In summary, the available evidence is currently insufficient to determine the role of this variant in disease. Therefore, it has been classified as a Variant of Uncertain Significance.

NM_006785.4(MALT1):c.38C>T (p.Pro13Leu)

Genes: MALT1 (MALT1 paracaspase; plus strand), MALT1-AS1 (MALT1 antisense RNA 1; minus strand), LOC130062586 (ATAC-STARR-seq lymphoblastoid silent region 9487; plus strand). Cytogenetic location: 18q21.32.
Variant type: single nucleotide variant.
Coding change: c.38C>T on transcript NM_006785.4 (MANE Select); coding-DNA position 38, C replaced by T.
Protein change: p.Pro13Leu; replaces proline 13 with leucine.
Molecular consequence: missense variant. On other transcripts: non-coding transcript variant (1).
Genome position (GRCh38, 1-based): chr18:58,671,681, C>T. VCF-style: chr18-58671681-C-T. GRCh37 (hg19) VCF-style: chr18-56338913-C-T.
Other names: c.38C>T, p.Pro13Leu (NM_173844.3); short protein forms P13L.
Identifiers: ClinVar variation 1405759 (VCV001405759.8), dbSNP rs2054162642, ClinGen allele CA402570602.